The following is an entry in ClinVar:

ClinVar aggregate classification (germline): Uncertain significance (1 of 4 stars; one submission).

Submission:

Labcorp Genetics (formerly Invitae), Labcorp
Classification: Uncertain significance. Last evaluated: 2020-12-16. Review status: criteria provided, single submitter. Criteria: Invitae Variant Classification Sherloc (09022015). Collection method: clinical testing. Allele origin: germline.
Comment: This sequence change falls in intron 11 of the FCHO1 gene. It does not directly change the encoded amino acid sequence of the FCHO1 protein. It affects a nucleotide within the consensus splice site of the intron. This variant is not present in population databases (ExAC no frequency). This variant has not been reported in the literature in individuals with FCHO1-related conditions. Nucleotide substitutions within the consensus splice site are a relatively common cause of aberrant splicing (PMID: 17576681, 9536098). Algorithms developed to predict the effect of sequence changes on RNA splicing suggest that this variant is not likely to affect RNA splicing, but this prediction has not been confirmed by published transcriptional studies. In summary, the available evidence is currently insufficient to determine the role of this variant in disease. Therefore, it has been classified as a Variant of Uncertain Significance.

Literature cited by the submitters: PubMed 17576681; PubMed 9536098.

NM_015122.3(FCHO1):c.791-3C>T

Gene: FCHO1 (FCH and mu domain containing endocytic adaptor 1; plus strand). Cytogenetic location: 19p13.11.
Variant type: single nucleotide variant.
Coding change: c.791-3C>T on transcript NM_015122.3 (MANE Select); 3 bases into the intron before coding-DNA position 791, C replaced by T.
Molecular consequence: intron variant.
Genome position (GRCh38, 1-based): chr19:17,774,236, C>T. VCF-style: chr19-17774236-C-T. GRCh37 (hg19) VCF-style: chr19-17885045-C-T.
Other names: c.791-3C>T (NM_001384370.1, NM_001384396.1, NM_001384404.1 and 25 more transcripts); c.716-3C>T (NM_001384390.1); c.641-3C>T (NM_001384406.1, NM_001384407.1, NM_001384384.1 and 3 more transcripts); c.791-158C>T (NM_001384403.1); c.752-3C>T (NM_001384388.1, NM_001384405.1, NM_001384389.1).
Identifiers: ClinVar variation 1473629 (VCV001473629.6), dbSNP rs766922937, ClinGen allele CA2573156169.